The following is an entry in ClinVar:

ClinVar aggregate classification (germline): Conflicting classifications of pathogenicity. Review status: criteria provided, conflicting classifications (1 of 4 stars). 4 submissions from 4 submitters: Uncertain significance (2); Likely benign (2). Last evaluated 2025-03-31.

Conditions:
Developmental and epileptic encephalopathy, 9 (DEE9). Also called: EPILEPSY, FEMALE-RESTRICTED, WITH MENTAL RETARDATION; PCDH19-Related X-Linked Female-Limited Epilepsy with Mental Retardation; Early infantile epileptic encephalopathy 9; JUBERG-HELLMAN SYNDROME. Identifiers: Orphanet 101039, Orphanet 2076, MedGen C1848137, MONDO:0010246, OMIM 300088. Disease mechanism: loss of function.

Allele frequency attached by ClinVar (database versions not stated): ESP Exome Variant Server 0.00010; ExAC 0.00001; gnomAD exomes 0.00001 and 0.00003; gnomAD 0.00005 and 0.00006; TOPMed 0.00009.
gnomAD v4.1: 25 of 1,209,592 alleles (0.0021%); highest among the groups gnomAD compares: African/African-American, 0.014%; 1 homozygote.

Submissions (4):

Labcorp Genetics (formerly Invitae), Labcorp
Classification: Uncertain significance for Developmental and epileptic encephalopathy, 9. Last evaluated: 2025-03-31. Review status: criteria provided, single submitter. Criteria: Invitae Variant Classification Sherloc (09022015). Collection method: clinical testing. Allele origin: germline.
Comment: This sequence change replaces arginine, which is basic and polar, with histidine, which is basic and polar, at codon 980 of the PCDH19 protein (p.Arg980His). This variant is present in population databases (rs368872920, gnomAD 0.02%). This variant has not been reported in the literature in individuals affected with PCDH19-related conditions. ClinVar contains an entry for this variant (Variation ID: 206283). Invitae Evidence Modeling of protein sequence and biophysical properties (such as structural, functional, and spatial information, amino acid conservation, physicochemical variation, residue mobility, and thermodynamic stability) indicates that this missense variant is not expected to disrupt PCDH19 protein function with a negative predictive value of 95%. In summary, the available evidence is currently insufficient to determine the role of this variant in disease. Therefore, it has been classified as a Variant of Uncertain Significance.

Women's Health and Genetics/Laboratory Corporation of America, LabCorp
Classification: Uncertain significance. Last evaluated: 2025-01-13. Review status: criteria provided, single submitter. Criteria: LabCorp Variant Classification Summary - May 2015. Collection method: clinical testing. Allele origin: germline.
Comment: Variant summary: PCDH19 c.2939G>A (p.Arg980His) results in a non-conservative amino acid change in the encoded protein sequence. Three of five in-silico tools predict a damaging effect of the variant on protein function. The variant allele was found at a frequency of 3.3e-05 in 181499 control chromosomes. The available data on variant occurrences in the general population are insufficient to allow any conclusion about variant significance. To our knowledge, no occurrence of c.2939G>A in individuals affected with Developmental And Epileptic Encephalopathy, 9 and no experimental evidence demonstrating its impact on protein function have been reported. ClinVar contains an entry for this variant (Variation ID: 206283). Based on the evidence outlined above, the variant was classified as uncertain significance.

CeGaT Center for Human Genetics Tuebingen
Classification: Likely benign. Last evaluated: 2024-07-01. Review status: criteria provided, single submitter. Criteria: CeGaT Center For Human Genetics Tuebingen Variant Classification Criteria Version 2. Collection method: clinical testing. Allele origin: germline. Affected: yes. Observed: 2 variant alleles.
Comment: PCDH19: BP4, BS2

GeneDx
Classification: Likely benign. Last evaluated: 2015-07-01. Review status: criteria provided, single submitter. Criteria: GeneDx Variant Classification (06012015). Collection method: clinical testing. Allele origin: germline. Affected: yes.
Comment: This variant is considered likely benign or benign based on one or more of the following criteria: it is a conservative change, it occurs at a poorly conserved position in the protein, it is predicted to be benign by multiple in silico algorithms, and/or has population frequency not consistent with disease.

NM_001184880.2(PCDH19):c.2939G>A (p.Arg980His)

Gene: PCDH19 (protocadherin 19; minus strand). Cytogenetic location: Xq22.1.
Variant type: single nucleotide variant.
Coding change: c.2939G>A on transcript NM_001184880.2 (MANE Select); coding-DNA position 2939, G replaced by A.
Protein change: p.Arg980His; replaces arginine 980 with histidine.
Molecular consequence: missense variant.
Genome position (GRCh38, 1-based): chrX:100,296,785, C>T on the plus strand (G>A on the coding strand, the complement: PCDH19 is on the minus strand). VCF-style: chrX-100296785-C-T. GRCh37 (hg19) VCF-style: chrX-99551783-C-T.
Other names: p.R933H:CGT>CAT; c.2798G>A, p.Arg933His (NM_001105243.2); c.2795G>A, p.Arg932His (NM_020766.3); short protein forms R933H, R980H, R932H.
Identifiers: ClinVar variation 206283 (VCV000206283.27), dbSNP rs368872920, ClinGen allele CA316210.